The following is an entry in ClinVar:

ClinVar aggregate classification (germline): Pathogenic/Likely pathogenic. Review status: criteria provided, multiple submitters, no conflicts (2 of 4 stars). 5 submissions from 5 submitters: Pathogenic (1); Likely pathogenic (4). Last evaluated 2024-04-26.

Conditions:
USH2A-related disorder. Also called: USH2A-related condition; USH2A-related disorders. Identifiers: MedGen CN239332.
Retinitis pigmentosa 39 (RP39). Identifiers: Orphanet 791, MedGen C3151138, MONDO:0013436, OMIM 613809.
Usher syndrome type 2A. Also called: RETINAL DISEASE IN USHER SYNDROME TYPE IIA, MODIFIER OF; USHER SYNDROME, TYPE IIA. Identifiers: Orphanet 231178, Orphanet 886, MedGen C1848634, MONDO:0010169, OMIM 276901.

Allele frequency attached by ClinVar (database versions not stated): gnomAD exomes 0.00001.

Submissions (5):

Fulgent Genetics
Classification: Likely pathogenic for Usher syndrome type 2A; Retinitis pigmentosa 39. Last evaluated: 2024-04-26. Review status: criteria provided, single submitter. Criteria: ACMG Guidelines, 2015. Collection method: clinical testing. Allele origin: germline.

Labcorp Genetics (formerly Invitae), Labcorp
Classification: Pathogenic. Last evaluated: 2024-02-02. Review status: criteria provided, single submitter. Criteria: Invitae Variant Classification Sherloc (09022015). Collection method: clinical testing. Allele origin: germline.
Comment: This sequence change creates a premature translational stop signal (p.Glu3730Glyfs*20) in the USH2A gene. It is expected to result in an absent or disrupted protein product. Loss-of-function variants in USH2A are known to be pathogenic (PMID: 10729113, 10909849, 20507924, 25649381). This variant is not present in population databases (gnomAD no frequency). This variant has not been reported in the literature in individuals affected with USH2A-related conditions. ClinVar contains an entry for this variant (Variation ID: 866986). For these reasons, this variant has been classified as Pathogenic.

Genome-Nilou Lab
Classification: Likely pathogenic for Retinitis pigmentosa 39. Last evaluated: 2023-11-04. Review status: criteria provided, single submitter. Criteria: ACMG Guidelines, 2015. Collection method: clinical testing. Allele origin: germline. Affected: no.

Baylor Genetics
Classification: Likely pathogenic for Retinitis pigmentosa 39. Last evaluated: 2023-04-20. Review status: criteria provided, single submitter. Criteria: ACMG Guidelines, 2015. Collection method: clinical testing. Allele origin: unknown.

Blueprint Genetics
Classification: Likely pathogenic for USH2A-related disorders. Last evaluated: 2022-05-09. Review status: criteria provided, single submitter. Criteria: ACMG Guidelines, 2015. Collection method: clinical testing. Allele origin: germline. Affected: yes. Observed: 3 variant alleles.

Literature cited by the submitters: PubMed 10729113 (cited by Labcorp Genetics (formerly Invitae), Labcorp); PubMed 10909849 (cited by Labcorp Genetics (formerly Invitae), Labcorp); PubMed 20507924 (cited by Labcorp Genetics (formerly Invitae), Labcorp); PubMed 25649381 (cited by Labcorp Genetics (formerly Invitae), Labcorp).

NM_206933.4(USH2A):c.11189del (p.Glu3730fs)

Gene: USH2A (usherin; minus strand). Cytogenetic location: 1q41.
Variant type: Deletion.
Coding change: c.11189del on transcript NM_206933.4 (MANE Select); coding-DNA position 11189, one base deleted (A; older notation c.11189delA).
Protein change: p.Glu3730fs; shifts the reading frame from glutamic acid 3730.
Molecular consequence: frameshift variant.
Genome position (GRCh38, 1-based): chr1:215,759,702, T deleted on the plus strand (A on the coding strand, the reverse complement: USH2A is on the minus strand). VCF-style (leftmost placement, unchanged base first): chr1-215759701-CT-C. GRCh37 (hg19) VCF-style: chr1-215933043-CT-C.
Other names: short protein forms E3730fs.
Identifiers: ClinVar variation 866986 (VCV000866986.12), dbSNP rs1660922779, ClinGen allele CA916082121.